The following is an entry in ClinVar:

NM_004637.6(RAB7A):c.572A>G (p.Lys191Arg)

Genes: RAB7A (RAB7A, member RAS oncogene family; plus strand), LOC112872299 (Sharpr-MPRA regulatory region 6458; plus strand). Cytogenetic location: 3q21.3.
Variant type: single nucleotide variant.
Coding change: c.572A>G on transcript NM_004637.6 (MANE Select); coding-DNA position 572, A replaced by G.
Protein change: p.Lys191Arg; replaces lysine 191 with arginine.
Molecular consequence: missense variant.
Genome position (GRCh38, 1-based): chr3:128,813,370, A>G. VCF-style: chr3-128813370-A-G. GRCh37 (hg19) VCF-style: chr3-128532213-A-G.
Other names: short protein forms K191R.
Identifiers: ClinVar variation 1502827 (VCV001502827.8), dbSNP rs2107618433, ClinGen allele CA354423592.

ClinVar aggregate classification (germline): Uncertain significance (1 of 4 stars; one submission).

Conditions:
Charcot-Marie-Tooth disease type 2B (CMT2B). Also called: Charcot-Marie-Tooth Neuropathy Type 2B; CHARCOT-MARIE-TOOTH DISEASE, AXONAL, TYPE 2B; CHARCOT-MARIE-TOOTH DISEASE, AUTOSOMAL DOMINANT, TYPE 2B; HEREDITARY MOTOR AND SENSORY NEUROPATHY IIB. Identifiers: Orphanet 99936, MedGen C1833219, MONDO:0010949, OMIM 600882.

Submission:

Labcorp Genetics (formerly Invitae), Labcorp
Classification: Uncertain significance for Charcot-Marie-Tooth disease type 2B. Last evaluated: 2021-02-01. Review status: criteria provided, single submitter. Criteria: Invitae Variant Classification Sherloc (09022015). Collection method: clinical testing. Allele origin: germline.
Comment: In summary, the available evidence is currently insufficient to determine the role of this variant in disease. Therefore, it has been classified as a Variant of Uncertain Significance. Algorithms developed to predict the effect of sequence changes on RNA splicing suggest that this variant may create or strengthen a splice site, but this prediction has not been confirmed by published transcriptional studies. Algorithms developed to predict the effect of missense changes on protein structure and function (SIFT, PolyPhen-2, Align-GVGD) all suggest that this variant is likely to be tolerated, but these predictions have not been confirmed by published functional studies and their clinical significance is uncertain. This variant has not been reported in the literature in individuals with RAB7A-related conditions. This variant is not present in population databases (ExAC no frequency). This sequence change replaces lysine with arginine at codon 191 of the RAB7A protein (p.Lys191Arg). The lysine residue is moderately conserved and there is a small physicochemical difference between lysine and arginine.